The following is an entry in ClinVar:

NM_004304.5(ALK):c.3556A>G (p.Ser1186Gly)

Gene: ALK (ALK receptor tyrosine kinase; minus strand). Cytogenetic location: 2p23.2.
Variant type: single nucleotide variant.
Coding change: c.3556A>G on transcript NM_004304.5 (MANE Select); coding-DNA position 3556, A replaced by G.
Protein change: p.Ser1186Gly; replaces serine 1186 with glycine.
Molecular consequence: missense variant.
Genome position (GRCh38, 1-based): chr2:29,220,795, T>C on the plus strand (A>G on the coding strand, the complement: ALK is on the minus strand). VCF-style: chr2-29220795-T-C. GRCh37 (hg19) VCF-style: chr2-29443661-T-C.
Other names: c.352A>G, p.Ser118Gly (NM_001353765.2); short protein forms S118G, S1186G.
Identifiers: ClinVar variation 3855885 (VCV003855885.1).

ClinVar aggregate classification (germline): Uncertain significance (1 of 4 stars; one submission).

Conditions:
Hereditary cancer-predisposing syndrome. Also called: Hereditary neoplastic syndrome; Neoplastic Syndromes, Hereditary; Tumor predisposition; Hereditary Cancer Syndrome. Identifiers: Orphanet 140162, MedGen C0027672, MeSH D009386, MONDO:0015356.

Submission:

Ambry Genetics
Classification: Uncertain significance for Hereditary cancer-predisposing syndrome. Last evaluated: 2025-02-22. Review status: criteria provided, single submitter. Criteria: Ambry Variant Classification Scheme 2023. Collection method: clinical testing. Allele origin: germline.
Comment: The p.S1186G variant (also known as c.3556A>G), located in coding exon 23 of the ALK gene, results from an A to G substitution at nucleotide position 3556. The serine at codon 1186 is replaced by glycine, an amino acid with similar properties. This amino acid position is conserved. In addition, the in silico prediction for this alteration is inconclusive. Based on the available evidence, the clinical significance of this variant remains unclear.